The following is an entry in ClinVar:

ClinVar aggregate classification (germline): Uncertain significance (1 of 4 stars; one submission).

Conditions:
Hereditary cancer-predisposing syndrome. Also called: Tumor predisposition; Neoplastic Syndromes, Hereditary; Hereditary neoplastic syndrome; Hereditary Cancer Syndrome. Identifiers: Orphanet 140162, MedGen C0027672, MeSH D009386, MONDO:0015356.

Submission:

Ambry Genetics
Classification: Uncertain significance for Hereditary cancer-predisposing syndrome. Last evaluated: 2024-12-03. Review status: criteria provided, single submitter. Criteria: Ambry Variant Classification Scheme 2023. Collection method: clinical testing. Allele origin: germline.
Comment: The p.Q577R variant (also known as c.1730A>G), located in coding exon 13 of the SDHA gene, results from an A to G substitution at nucleotide position 1730. The glutamine at codon 577 is replaced by arginine, an amino acid with highly similar properties. This amino acid position is highly conserved in available vertebrate species. In addition, this alteration is predicted to be deleterious by in silico analysis. Based on the available evidence, the clinical significance of this variant remains unclear.

NM_004168.4(SDHA):c.1730A>G (p.Gln577Arg)

Gene: SDHA (succinate dehydrogenase complex flavoprotein subunit A; plus strand). Cytogenetic location: 5p15.33.
Variant type: single nucleotide variant.
Coding change: c.1730A>G on transcript NM_004168.4 (MANE Select); coding-DNA position 1730, A replaced by G.
Protein change: p.Gln577Arg; replaces glutamine 577 with arginine.
Molecular consequence: missense variant. On other transcripts: intron variant (1).
Genome position (GRCh38, 1-based): chr5:251,404, A>G. VCF-style: chr5-251404-A-G. GRCh37 (hg19) VCF-style: chr5-251519-A-G.
Other names: c.1586A>G, p.Gln529Arg (NM_001294332.2); c.1552-2989A>G (NM_001330758.2); short protein forms Q577R, Q529R.
Identifiers: ClinVar variation 3438710 (VCV003438710.1).
Genomic context (GRCh38, chr5:251,404, plus strand): 5'-TCTGGAACACGGACCTGGTGGAGACCCTGGAGCTGCAGAACCTGATGCTGTGTGCGCTGC[A>G]GACCATCTACGGAGCAGAGGCACGGAAGGAGTCACGGGGCGCGCATGCCAGGGAAGACTA-3'
Protein context (NP_004159.2, residues 567-587): ELQNLMLCAL[Gln577Arg]TIYGAEARKE